The following is an entry in ClinVar:

NM_001540.5(HSPB1):c.600T>G (p.Asp200Glu)

Gene: HSPB1 (heat shock protein family B (small) member 1; plus strand). Cytogenetic location: 7q11.23.
Variant type: single nucleotide variant.
Coding change: c.600T>G on transcript NM_001540.5 (MANE Select); coding-DNA position 600, T replaced by G.
Protein change: p.Asp200Glu; replaces aspartic acid 200 with glutamic acid.
Molecular consequence: missense variant.
Genome position (GRCh38, 1-based): chr7:76,304,155, T>G. VCF-style: chr7-76304155-T-G. GRCh37 (hg19) VCF-style: chr7-75933472-T-G.
Other names: short protein forms D200E.
Identifiers: ClinVar variation 2062812 (VCV002062812.4), dbSNP rs1294222117, ClinGen allele CA367767601.
Genomic context (GRCh38, chr7:76,304,155, plus strand): 5'-CATCCCAGTCACCTTCGAGTCGCGGGCCCAGCTTGGGGGCCCAGAAGCTGCAAAATCCGA[T>G]GAGACTGCCGCCAAGTAAAGCCTTAGCCCGGATGCCCACCCCTGCTGCCGCCACTGGCTG-3'
Protein context (NP_001531.1, residues 190-205): QLGGPEAAKS[Asp200Glu]ETAAK

ClinVar aggregate classification (germline): Uncertain significance (1 of 4 stars; one submission).

Conditions:
Charcot-Marie-Tooth disease axonal type 2F (CMT2F). Also called: CHARCOT-MARIE-TOOTH DISEASE, NEURONAL, TYPE 2F; Charcot-Marie-Tooth Neuropathy Type 2F. Identifiers: Orphanet 99940, MedGen C1847823, MONDO:0011687, OMIM 606595.

Submission:

Labcorp Genetics (formerly Invitae), Labcorp
Classification: Uncertain significance for Charcot-Marie-Tooth disease axonal type 2F. Last evaluated: 2024-12-16. Review status: criteria provided, single submitter. Criteria: Invitae Variant Classification Sherloc (09022015). Collection method: clinical testing. Allele origin: germline.
Comment: This sequence change replaces aspartic acid, which is acidic and polar, with glutamic acid, which is acidic and polar, at codon 200 of the HSPB1 protein (p.Asp200Glu). This variant is not present in population databases (gnomAD no frequency). This variant has not been reported in the literature in individuals affected with HSPB1-related conditions. ClinVar contains an entry for this variant (Variation ID: 2062812). Invitae Evidence Modeling of protein sequence and biophysical properties (such as structural, functional, and spatial information, amino acid conservation, physicochemical variation, residue mobility, and thermodynamic stability) indicates that this missense variant is not expected to disrupt HSPB1 protein function with a negative predictive value of 95%. In summary, the available evidence is currently insufficient to determine the role of this variant in disease. Therefore, it has been classified as a Variant of Uncertain Significance.